The following is an entry in ClinVar:

ClinVar aggregate classification (germline): Uncertain significance (1 of 4 stars; one submission).

Submission:

Labcorp Genetics (formerly Invitae), Labcorp
Classification: Uncertain significance. Last evaluated: 2023-08-30. Review status: criteria provided, single submitter. Criteria: Invitae Variant Classification Sherloc (09022015). Collection method: clinical testing. Allele origin: germline.
Comment: An algorithm developed to predict the effect of missense changes on protein structure and function (PolyPhen-2) suggests that this variant is likely to be tolerated. ClinVar contains an entry for this variant (Variation ID: 2036994). This variant has not been reported in the literature in individuals affected with PLOD2-related conditions. This variant is not present in population databases (gnomAD no frequency). This sequence change replaces glycine, which is neutral and non-polar, with valine, which is neutral and non-polar, at codon 25 of the PLOD2 protein (p.Gly25Val). In summary, the available evidence is currently insufficient to determine the role of this variant in disease. Therefore, it has been classified as a Variant of Uncertain Significance.

NM_182943.3(PLOD2):c.74G>T (p.Gly25Val)

Gene: PLOD2 (procollagen-lysine,2-oxoglutarate 5-dioxygenase 2; minus strand). Cytogenetic location: 3q24.
Variant type: single nucleotide variant.
Coding change: c.74G>T on transcript NM_182943.3 (MANE Select); coding-DNA position 74, G replaced by T.
Protein change: p.Gly25Val; replaces glycine 25 with valine.
Molecular consequence: missense variant.
Genome position (GRCh38, 1-based): chr3:146,160,916, C>A on the plus strand (G>T on the coding strand, the complement: PLOD2 is on the minus strand). VCF-style: chr3-146160916-C-A. GRCh37 (hg19) VCF-style: chr3-145878703-C-A.
Other names: c.74G>T, p.Gly25Val (NM_000935.3); short protein forms G25V.
Identifiers: ClinVar variation 2036994 (VCV002036994.4), dbSNP rs1346075416, ClinGen allele CA354895194.
Genomic context (GRCh38, chr3:146,160,916, plus strand): 5'-CAGCGGCGGACCGCGGGGTGCTCACCTGTGGGGATGCTCGAGGGCTTCTCCGAGTCCGCA[C>A]CCAGACAGGGATTCCAGGGGTGGAGGACGAGCGCCAGGAGCAGCAGCTGAGGCTTCACCG-3'
Protein context (NP_891988.1, residues 15-35): LVLHPWNPCL[Gly25Val]ADSEKPSSIP